The following is an entry in ClinVar:

NM_006343.3(MERTK):c.1143A>C (p.Gly381=)

Genes: MERTK (MER proto-oncogene, tyrosine kinase; plus strand), LOC112806037 (Sharpr-MPRA regulatory region 3720; plus strand). Cytogenetic location: 2q13.
Variant type: single nucleotide variant.
Coding change: c.1143A>C on transcript NM_006343.3 (MANE Select); coding-DNA position 1143, A replaced by C.
Protein change: p.Gly381=; no amino-acid change (glycine 381 retained).
Molecular consequence: synonymous variant.
Genome position (GRCh38, 1-based): chr2:111,975,471, A>C. VCF-style: chr2-111975471-A-C. GRCh37 (hg19) VCF-style: chr2-112733048-A-C.
Identifiers: ClinVar variation 1059656 (VCV001059656.6), dbSNP rs776542197, ClinGen allele CA1831277.

ClinVar aggregate classification (germline): Uncertain significance (1 of 4 stars; one submission).

Allele frequency attached by ClinVar (database versions not stated): gnomAD 0.00001; gnomAD exomes 0.00001 and 0.00003; TOPMed 0.00002; ExAC 0.00005.
gnomAD v4.1: 10 of 1,613,924 alleles (0.00062%); highest among the groups gnomAD compares: Admixed American, 0.0033%; no homozygotes.

Submission:

Labcorp Genetics (formerly Invitae), Labcorp
Classification: Uncertain significance. Last evaluated: 2022-10-18. Review status: criteria provided, single submitter. Criteria: Invitae Variant Classification Sherloc (09022015). Collection method: clinical testing. Allele origin: germline.
Comment: This sequence change affects codon 381 of the MERTK mRNA. It is a 'silent' change, meaning that it does not change the encoded amino acid sequence of the MERTK protein. This variant is present in population databases (rs776542197, gnomAD 0.006%). This variant has not been reported in the literature in individuals affected with MERTK-related conditions. ClinVar contains an entry for this variant (Variation ID: 1059656). Algorithms developed to predict the effect of sequence changes on RNA splicing suggest that this variant may disrupt the consensus splice site. In summary, the available evidence is currently insufficient to determine the role of this variant in disease. Therefore, it has been classified as a Variant of Uncertain Significance.